The following is an entry in ClinVar:

NM_000388.4(CASR):c.1807A>G (p.Ile603Val)

Gene: CASR (calcium sensing receptor; plus strand). Cytogenetic location: 3q21.1.
Variant type: single nucleotide variant.
Coding change: c.1807A>G on transcript NM_000388.4 (MANE Select); coding-DNA position 1807, A replaced by G.
Protein change: p.Ile603Val; replaces isoleucine 603 with valine.
Molecular consequence: missense variant.
Genome position (GRCh38, 1-based): chr3:122,283,761, A>G. VCF-style: chr3-122283761-A-G. GRCh37 (hg19) VCF-style: chr3-122002608-A-G.
Other names: c.1837A>G, p.Ile613Val (NM_001178065.2); short protein forms I603V, I613V.
Identifiers: ClinVar variation 4975584 (VCV004975584.1).

ClinVar aggregate classification (germline): Uncertain significance (1 of 4 stars; one submission).

Submission:

GeneDx
Classification: Uncertain significance. Last evaluated: 2026-01-29. Review status: criteria provided, single submitter. Criteria: GeneDx Variant Classification Process June 2021. Collection method: clinical testing. Allele origin: germline.
Comment: Not observed at significant frequency in large population cohorts (gnomAD); In silico analysis suggests that this missense variant does not alter protein structure/function; Has not been previously published as pathogenic or benign to our knowledge